The following is an entry in ClinVar:

NM_000097.7(CPOX):c.878C>T (p.Ala293Val)

Gene: CPOX (coproporphyrinogen oxidase; minus strand). Cytogenetic location: 3q11.2.
Variant type: single nucleotide variant.
Coding change: c.878C>T on transcript NM_000097.7 (MANE Select); coding-DNA position 878, C replaced by T.
Protein change: p.Ala293Val; replaces alanine 293 with valine.
Molecular consequence: missense variant.
Genome position (GRCh38, 1-based): chr3:98,588,788, G>A on the plus strand (C>T on the coding strand, the complement: CPOX is on the minus strand). VCF-style: chr3-98588788-G-A. GRCh37 (hg19) VCF-style: chr3-98307632-G-A.
Other names: c.878C>T, p.Ala293Val (LRG_1077t1); short protein forms A293V.
Identifiers: ClinVar variation 650394 (VCV000650394.8), dbSNP rs140475004, ClinGen allele CA2511573.

ClinVar aggregate classification (germline): Conflicting classifications of pathogenicity. Review status: criteria provided, conflicting classifications (1 of 4 stars). 3 submissions from 3 submitters: Uncertain significance (2); Benign (1). Last evaluated 2025-08-02.

Conditions:
CPOX-related disorder. Also called: CPOX-related condition; CPOX-related disorders.

Allele frequency attached by ClinVar (database versions not stated): gnomAD exomes 0.00003 and 0.00007; ExAC 0.00010; gnomAD 0.00019 and 0.00020; 1000 Genomes Project 0.00020; TOPMed 0.00023; 1000 Genomes Project 30x 0.00031; ESP Exome Variant Server 0.00031.
gnomAD v4.1: 92 of 1,614,152 alleles (0.0057%); highest among the groups gnomAD compares: African/African-American, 0.077%; no homozygotes.

Submissions (3):

PreventionGenetics, part of Exact Sciences
Classification: Uncertain significance for CPOX-related condition. Last evaluated: 2025-08-02. Review status: criteria provided, single submitter. Criteria: ACMG Guidelines, 2015. Collection method: clinical testing. Allele origin: germline.
Comment: The CPOX c.878C>T variant is predicted to result in the amino acid substitution p.Ala293Val. To our knowledge, this variant has not been reported in the literature. This variant is reported in 0.096% of alleles in individuals of African descent in gnomAD. Although we suspect that this variant may be benign, at this time, the clinical significance of this variant is uncertain due to the absence of conclusive functional and genetic evidence.

Labcorp Genetics (formerly Invitae), Labcorp
Classification: Benign. Last evaluated: 2025-03-28. Review status: criteria provided, single submitter. Criteria: Invitae Variant Classification Sherloc (09022015). Collection method: clinical testing. Allele origin: germline.

Breakthrough Genomics
Classification: Uncertain significance. Review status: criteria provided, single submitter. Criteria: ACMG Guidelines, 2015. Collection method: not provided. Allele origin: germline. Inheritance: Autosomal recessive inheritance. Affected: yes.